The following is an entry in ClinVar:

ClinVar aggregate classification (germline): Uncertain significance (1 of 4 stars; one submission).

Conditions:
Hyperphosphatasia with impaired intellectual development syndrome 2. Also called: GLYCOSYLPHOSPHATIDYLINOSITOL BIOSYNTHESIS DEFECT 6; Hyperphosphatasia with intellectual disability syndrome 2. Identifiers: Orphanet 247262, MedGen C3553637, MONDO:0013882, OMIM 614749.

Allele frequency attached by ClinVar (database versions not stated): ExAC 0.00008; gnomAD exomes 0.00001.
gnomAD v4.1: 21 of 1,614,208 alleles (0.0013%); highest among the groups gnomAD compares: South Asian, 0.02%; no homozygotes.

Submission:

Labcorp Genetics (formerly Invitae), Labcorp
Classification: Uncertain significance for Hyperphosphatasia with impaired intellectual development syndrome 2. Last evaluated: 2024-02-24. Review status: criteria provided, single submitter. Criteria: Invitae Variant Classification Sherloc (09022015). Collection method: clinical testing. Allele origin: germline.
Comment: This sequence change replaces alanine, which is neutral and non-polar, with valine, which is neutral and non-polar, at codon 568 of the PIGO protein (p.Ala568Val). This variant is present in population databases (rs755748601, gnomAD 0.05%). This variant has not been reported in the literature in individuals affected with PIGO-related conditions. ClinVar contains an entry for this variant (Variation ID: 2042533). An algorithm developed to predict the effect of missense changes on protein structure and function (PolyPhen-2) suggests that this variant is likely to be tolerated. In summary, the available evidence is currently insufficient to determine the role of this variant in disease. Therefore, it has been classified as a Variant of Uncertain Significance.

NM_032634.4(PIGO):c.1703C>T (p.Ala568Val)

Gene: PIGO (phosphatidylinositol glycan anchor biosynthesis class O; minus strand). Cytogenetic location: 9p13.3.
Variant type: single nucleotide variant.
Coding change: c.1703C>T on transcript NM_032634.4 (MANE Select); coding-DNA position 1703, C replaced by T.
Protein change: p.Ala568Val; replaces alanine 568 with valine.
Molecular consequence: missense variant. On other transcripts: intron variant (2).
Genome position (GRCh38, 1-based): chr9:35,092,184, G>A on the plus strand (C>T on the coding strand, the complement: PIGO is on the minus strand). VCF-style: chr9-35092184-G-A. GRCh37 (hg19) VCF-style: chr9-35092181-G-A.
Other names: c.1344+359C>T (NM_152850.4, NM_001201484.2); short protein forms A568V.
Identifiers: ClinVar variation 2042533 (VCV002042533.4), dbSNP rs755748601, ClinGen allele CA5040585.